The following is an entry in ClinVar:

NM_001148.6(ANK2):c.5136G>C (p.Gln1712His)

Gene: ANK2 (ankyrin 2; plus strand). Cytogenetic location: 4q26.
Variant type: single nucleotide variant.
Coding change: c.5136G>C on transcript NM_001148.6 (MANE Select); coding-DNA position 5136, G replaced by C.
Protein change: p.Gln1712His; replaces glutamine 1712 with histidine.
Molecular consequence: missense variant. On other transcripts: intron variant (68).
Genome position (GRCh38, 1-based): chr4:113,353,754, G>C. VCF-style: chr4-113353754-G-C. GRCh37 (hg19) VCF-style: chr4-114274910-G-C.
Other names: c.4902G>C, p.Gln1634His (NM_001386142.1); c.1536G>C, p.Gln512His (NM_001386166.1); c.5277G>C, p.Gln1759His (NM_001386174.1); c.5253G>C, p.Gln1751His (NM_001386175.1); c.4411+3505G>C (NM_001386186.2, NM_001386148.2); c.4213+3505G>C (NM_001354269.3); c.4291+3505G>C (NM_001386187.2); c.4252+3505G>C (NM_001386147.1); and 35 more; short protein forms Q1634H, Q1712H, Q512H, Q1751H, Q1759H.
Identifiers: ClinVar variation 1418996 (VCV001418996.8), dbSNP rs773125026, ClinGen allele CA357918192.

ClinVar aggregate classification (germline): Uncertain significance. Review status: criteria provided, multiple submitters, no conflicts (2 of 4 stars). 2 submissions from 2 submitters: Uncertain significance (2). Last evaluated 2022-01-30.

Conditions:
Cardiovascular phenotype. Identifiers: MedGen CN230736.
Long QT syndrome (LQTS). Identifiers: MedGen C0023976, MeSH D008133, MONDO:0002442. Disease mechanism: loss of function. Inheritance: Various modes of inheritance.

Allele frequency attached by ClinVar (database versions not stated): gnomAD exomes below 0.00001.
gnomAD v4.1: 2 of 1,613,438 alleles (0.00012%); highest among the groups gnomAD compares: Non-Finnish European, 0.00017%; no homozygotes.

Submissions (2):

Ambry Genetics
Classification: Uncertain significance for Cardiovascular phenotype. Last evaluated: 2022-01-30. Review status: criteria provided, single submitter. Criteria: Ambry Variant Classification Scheme 2023. Collection method: clinical testing. Allele origin: germline.
Comment: The p.Q1712H variant (also known as c.5136G>C), located in coding exon 38 of the ANK2 gene, results from a G to C substitution at nucleotide position 5136. The glutamine at codon 1712 is replaced by histidine, an amino acid with highly similar properties. This amino acid position is conserved. In addition, this alteration is predicted to be tolerated by in silico analysis. Since supporting evidence is limited at this time, the clinical significance of this alteration remains unclear.

Labcorp Genetics (formerly Invitae), Labcorp
Classification: Uncertain significance for Long QT syndrome. Last evaluated: 2021-10-17. Review status: criteria provided, single submitter. Criteria: Invitae Variant Classification Sherloc (09022015). Collection method: clinical testing. Allele origin: germline.
Comment: This sequence change replaces glutamine with histidine at codon 1712 of the ANK2 protein (p.Gln1712His). The glutamine residue is weakly conserved and there is a small physicochemical difference between glutamine and histidine. This variant is not present in population databases (ExAC no frequency). This variant has not been reported in the literature in individuals affected with ANK2-related conditions. Algorithms developed to predict the effect of missense changes on protein structure and function (SIFT, PolyPhen-2, Align-GVGD) all suggest that this variant is likely to be tolerated. In summary, the available evidence is currently insufficient to determine the role of this variant in disease. Therefore, it has been classified as a Variant of Uncertain Significance.